The following is an entry in ClinVar:

NM_006311.4(NCOR1):c.675T>A (p.Pro225=)

Gene: NCOR1 (nuclear receptor corepressor 1; minus strand). Cytogenetic location: 17p11.2.
Variant type: single nucleotide variant.
Coding change: c.675T>A on transcript NM_006311.4 (MANE Select); coding-DNA position 675, T replaced by A.
Protein change: p.Pro225=; no amino-acid change (proline 225 retained).
Molecular consequence: synonymous variant.
Genome position (GRCh38, 1-based): chr17:16,158,817, A>T on the plus strand (T>A on the coding strand, the complement: NCOR1 is on the minus strand). VCF-style: chr17-16158817-A-T. GRCh37 (hg19) VCF-style: chr17-16062131-A-T.
Other names: c.348T>A, p.Pro116= (NM_001190438.2); c.675T>A, p.Pro225= (NM_001190440.2).
Identifiers: ClinVar variation 3052795 (VCV003052795.2), dbSNP rs74841437, ClinGen allele CA8409484.

ClinVar aggregate classification (germline): Benign (0 of 4 stars; one submission).

Conditions:
NCOR1-related disorder. Also called: NCOR1-related condition.

Allele frequency attached by ClinVar (database versions not stated): ESP Exome Variant Server 0.00031; gnomAD exomes 0.00153; TOPMed 0.00269; gnomAD 0.00283; ExAC 0.00476; 1000 Genomes Project 30x 0.01437; 1000 Genomes Project 0.01538.
gnomAD v4.1: 2,790 of 1,614,126 alleles (0.17%); highest among the groups gnomAD compares: East Asian, 5.2%; 80 homozygotes.

Submission:

PreventionGenetics, part of Exact Sciences
Classification: Benign for NCOR1-related condition. Last evaluated: 2019-03-21. Review status: no assertion criteria provided. Collection method: clinical testing. Allele origin: germline.
Comment: This variant is classified as benign based on ACMG/AMP sequence variant interpretation guidelines (Richards et al. 2015 PMID: 25741868, with internal and published modifications).